The following is an entry in ClinVar:

NM_170606.3(KMT2C):c.3161G>A (p.Cys1054Tyr)

Gene: KMT2C (lysine methyltransferase 2C; minus strand). Cytogenetic location: 7q36.1.
Variant type: single nucleotide variant.
Coding change: c.3161G>A on transcript NM_170606.3 (MANE Select); coding-DNA position 3161, G replaced by A.
Protein change: p.Cys1054Tyr; replaces cysteine 1054 with tyrosine.
Molecular consequence: missense variant.
Genome position (GRCh38, 1-based): chr7:152,224,177, C>T on the plus strand (G>A on the coding strand, the complement: KMT2C is on the minus strand). VCF-style: chr7-152224177-C-T. GRCh37 (hg19) VCF-style: chr7-151921262-C-T.
Other names: short protein forms C1054Y.
Identifiers: ClinVar variation 4056560 (VCV004056560.1).
Genomic context (GRCh38, chr7:152,224,177, plus strand): 5'-TTGTTCTGCCATTCACATCTTAGACCTGCAGATGTTGCTCCACAGTGTCTGCACCAAACA[C>T]ACCTGAAATCCAAATCCCCCCGAAAAGTCTCAATTTTATTTTCTTAGTTACTCAGTTACT-3'
Protein context (NP_733751.2, residues 1044-1064): VPKGGWKCKW[Cys1054Tyr]VWCRHCGATS

ClinVar aggregate classification (germline): Uncertain significance (1 of 4 stars; one submission).

Conditions:
Kleefstra syndrome 2 (KLEFS2). Identifiers: MedGen C4540395, MONDO:0054701, OMIM 617768.

Submission:

Laboratorio de Genetica e Diagnostico Molecular, Hospital Israelita Albert Einstein
Classification: Uncertain significance for Kleefstra syndrome 2. Last evaluated: 2024-11-18. Review status: criteria provided, single submitter. Criteria: ACMG Guidelines, 2015. Collection method: clinical testing. Allele origin: germline. Affected: yes.
Comment: ACMG classification criteria: PM2 supporting, PP2 supporting, PP3 supporting